The following is an entry in ClinVar:

NM_007186.6(CEP250):c.7085A>T (p.Gln2362Leu)

Gene: CEP250 (centrosomal protein 250; plus strand). Cytogenetic location: 20q11.22.
Variant type: single nucleotide variant.
Coding change: c.7085A>T on transcript NM_007186.6 (MANE Select); coding-DNA position 7085, A replaced by T.
Protein change: p.Gln2362Leu; replaces glutamine 2362 with leucine.
Molecular consequence: missense variant.
Genome position (GRCh38, 1-based): chr20:35,511,382, A>T. VCF-style: chr20-35511382-A-T. GRCh37 (hg19) VCF-style: chr20-34099211-A-T.
Other names: c.5189A>T, p.Gln1730Leu (NM_001318219.1); c.7085A>T (NM_007186.3); short protein forms Q1730L, Q2362L.
Identifiers: ClinVar variation 836676 (VCV000836676.8), dbSNP rs562851586, ClinGen allele CA9834248.

ClinVar aggregate classification (germline): Uncertain significance. Review status: criteria provided, multiple submitters, no conflicts (2 of 4 stars). 2 submissions from 2 submitters: Uncertain significance (2). Last evaluated 2023-10-13.

Allele frequency attached by ClinVar (database versions not stated): gnomAD 0.00001; gnomAD exomes 0.00001 and 0.00002; ExAC 0.00002; 1000 Genomes Project 30x 0.00016; 1000 Genomes Project 0.00020.

Submissions (2):

Ambry Genetics
Classification: Uncertain significance. Last evaluated: 2023-10-13. Review status: criteria provided, single submitter. Criteria: Ambry Variant Classification Scheme 2023. Collection method: clinical testing. Allele origin: germline.

Labcorp Genetics (formerly Invitae), Labcorp
Classification: Uncertain significance. Last evaluated: 2023-08-04. Review status: criteria provided, single submitter. Criteria: Invitae Variant Classification Sherloc (09022015). Collection method: clinical testing. Allele origin: germline.
Comment: This variant has not been reported in the literature in individuals affected with CEP250-related conditions. This variant is present in population databases (rs562851586, gnomAD 0.01%). This sequence change replaces glutamine, which is neutral and polar, with leucine, which is neutral and non-polar, at codon 2362 of the CEP250 protein (p.Gln2362Leu). ClinVar contains an entry for this variant (Variation ID: 836676). An algorithm developed to predict the effect of missense changes on protein structure and function (PolyPhen-2) suggests that this variant is likely to be disruptive. In summary, the available evidence is currently insufficient to determine the role of this variant in disease. Therefore, it has been classified as a Variant of Uncertain Significance.